The following is an entry in ClinVar:

NM_001368882.1(COL13A1):c.1518C>T (p.His506=)

Gene: COL13A1 (collagen type XIII alpha 1 chain; plus strand). Cytogenetic location: 10q22.1.
Variant type: single nucleotide variant.
Coding change: c.1518C>T on transcript NM_001368882.1 (MANE Select); coding-DNA position 1518, C replaced by T.
Protein change: p.His506=; no amino-acid change (histidine 506 retained).
Molecular consequence: synonymous variant.
Genome position (GRCh38, 1-based): chr10:69,930,075, C>T. VCF-style: chr10-69930075-C-T. GRCh37 (hg19) VCF-style: chr10-71689831-C-T.
Other names: c.1485C>T (NM_001130103.1); c.1485C>T, p.His495= (NM_001130103.2); c.1455C>T, p.His485= (NM_001320951.2, NM_001368884.1); c.1482C>T, p.His494= (NM_001368883.1); c.1419C>T, p.His473= (NM_001368885.1, NM_080801.4, NM_080802.4); c.855C>T, p.His285= (NM_001368886.1); c.1428C>T, p.His476= (NM_001368895.1, NM_080800.4); c.1314C>T, p.His438= (NM_001368896.1, NM_001368898.1, NM_080798.4); and 2 more.
Identifiers: ClinVar variation 1568196 (VCV001568196.10), dbSNP rs768223191, ClinGen allele CA5534802.
Genomic context (GRCh38, chr10:69,930,075, plus strand): 5'-GAGTCACCTTTAGTTGTTCCGGTTACAGGGGGAGATTGGACTGCCAGGCCCTCCAGGACA[C>T]GATGGGGAAAAGGTATGAACAGACGTCCTCTGGTCAAACCTCTGAAGACAGTCTTGGCCC-3'
Protein context (NP_001355811.1, residues 496-516): GEIGLPGPPG[His506=]DGEKGPRGKP

ClinVar aggregate classification (germline): Likely benign. Review status: criteria provided, single submitter (1 of 4 stars). 2 submissions from 2 submitters: Likely benign (1). 1 of the submissions does not count toward it. Last evaluated 2024-10-13.

Conditions:
COL13A1-related disorder. Also called: COL13A1-related condition.

Allele frequency attached by ClinVar (database versions not stated): gnomAD 0.00002 and 0.00003; gnomAD exomes 0.00002 and 0.00016; ExAC 0.00003; TOPMed 0.00003.
gnomAD v4.1: 240 of 1,613,658 alleles (0.015%); highest among the groups gnomAD compares: Non-Finnish European, 0.02%; no homozygotes.

Submissions (2):

Labcorp Genetics (formerly Invitae), Labcorp
Classification: Likely benign. Last evaluated: 2024-10-13. Review status: criteria provided, single submitter. Criteria: Invitae Variant Classification Sherloc (09022015). Collection method: clinical testing. Allele origin: germline.

PreventionGenetics, part of Exact Sciences
Classification: Likely benign for COL13A1-related condition. Last evaluated: 2023-03-07. Review status: no assertion criteria provided. Collection method: clinical testing. Allele origin: germline. Not counted in ClinVar's aggregate classification.
Comment: This variant is classified as likely benign based on ACMG/AMP sequence variant interpretation guidelines (Richards et al. 2015 PMID: 25741868, with internal and published modifications).